The following is an entry in ClinVar:

ClinVar aggregate classification (germline): Uncertain significance (1 of 4 stars; one submission).

gnomAD v4.1: 2 of 1,613,134 alleles (0.00012%); highest among the groups gnomAD compares: Non-Finnish European, 0.00017%; no homozygotes.

Submission:

Ambry Genetics
Classification: Uncertain significance. Last evaluated: 2021-09-13. Review status: criteria provided, single submitter. Criteria: Ambry Variant Classification Scheme 2023. Collection method: clinical testing. Allele origin: germline.
Comment: The p.P174R variant (also known as c.521C>G), located in coding exon 3 of the MNDA gene, results from a C to G substitution at nucleotide position 521. The proline at codon 174 is replaced by arginine, an amino acid with dissimilar properties. This amino acid position is conserved. In addition, this alteration is predicted to be tolerated by in silico analysis. Since supporting evidence is limited at this time, the clinical significance of this alteration remains unclear.

NM_002432.3(MNDA):c.521C>G (p.Pro174Arg)

Gene: MNDA (myeloid cell nuclear differentiation antigen; plus strand). Cytogenetic location: 1q23.1.
Variant type: single nucleotide variant.
Coding change: c.521C>G on transcript NM_002432.3 (MANE Select); coding-DNA position 521, C replaced by G.
Protein change: p.Pro174Arg; replaces proline 174 with arginine.
Molecular consequence: missense variant.
Genome position (GRCh38, 1-based): chr1:158,844,073, C>G. VCF-style: chr1-158844073-C-G. GRCh37 (hg19) VCF-style: chr1-158813863-C-G.
Other names: short protein forms P174R.
Identifiers: ClinVar variation 1746148 (VCV001746148.2), dbSNP rs1384779988, ClinGen allele CA343039371.
Genomic context (GRCh38, chr1:158,844,073, plus strand): 5'-AGCAGAGTAAGCCCCCAGGTCCCTCAGGAGCCAGCACATCTGCAGCTGTGGATCATCCCC[C>G]ACTACCCCAGACCTCATCATCAACTCCATCCAACACTTCGTTTACTCCGGTACACTCTTC-3'
Protein context (NP_002423.1, residues 164-184): ASTSAAVDHP[Pro174Arg]LPQTSSSTPS